The following is an entry in ClinVar:

ClinVar aggregate classification (germline): Uncertain significance. Review status: criteria provided, multiple submitters, no conflicts (2 of 4 stars). 2 submissions from 2 submitters: Uncertain significance (2). Last evaluated 2026-01-12.

Conditions:
Inborn genetic diseases. Identifiers: MedGen C0950123, MeSH D030342.

Allele frequency attached by ClinVar (database versions not stated): gnomAD 0.00002 and 0.00004; TOPMed 0.00004; gnomAD exomes 0.00025; ExAC 0.00038.
gnomAD v4.1: 54 of 1,427,080 alleles (0.0038%); highest among the groups gnomAD compares: South Asian, 0.039%; no homozygotes.

Submissions (2):

Labcorp Genetics (formerly Invitae), Labcorp
Classification: Uncertain significance. Last evaluated: 2026-01-12. Review status: criteria provided, single submitter. Criteria: Invitae Variant Classification Sherloc (09022015). Collection method: clinical testing. Allele origin: germline.
Comment: This sequence change replaces glycine, which is neutral and non-polar, with serine, which is neutral and polar, at codon 349 of the PRDM13 protein (p.Gly349Ser). The frequency data for this variant in the population databases is considered unreliable, as metrics indicate poor data quality at this position in the gnomAD database. This variant has not been reported in the literature in individuals affected with PRDM13-related conditions. ClinVar contains an entry for this variant (Variation ID: 1053220). An algorithm developed to predict the effect of missense changes on protein structure and function outputs the following: PolyPhen-2: "Benign". The serine amino acid residue is found in multiple mammalian species, which suggests that this missense change does not adversely affect protein function. In summary, the available evidence is currently insufficient to determine the role of this variant in disease. Therefore, it has been classified as a Variant of Uncertain Significance.

Ambry Genetics
Classification: Uncertain significance for Inborn genetic diseases. Last evaluated: 2021-07-06. Review status: criteria provided, single submitter. Criteria: Ambry Variant Classification Scheme 2023. Collection method: clinical testing. Allele origin: germline.

NM_021620.4(PRDM13):c.1045G>A (p.Gly349Ser)

Genes: PRDM13 (PR/SET domain 13; plus strand), LOC129996881 (ATAC-STARR-seq lymphoblastoid silent region 17422; plus strand). Cytogenetic location: 6q16.2.
Variant type: single nucleotide variant.
Coding change: c.1045G>A on transcript NM_021620.4 (MANE Select); coding-DNA position 1045, G replaced by A.
Protein change: p.Gly349Ser; replaces glycine 349 with serine.
Molecular consequence: missense variant.
Genome position (GRCh38, 1-based): chr6:99,613,680, G>A. VCF-style: chr6-99613680-G-A. GRCh37 (hg19) VCF-style: chr6-100061556-G-A.
Other names: c.1045G>A (NM_021620.3); short protein forms G349S.
Identifiers: ClinVar variation 1053220 (VCV001053220.10), dbSNP rs369594089, ClinGen allele CA3936312.